The following is an entry in ClinVar:

ClinVar aggregate classification (germline): Uncertain significance (1 of 4 stars; one submission).

Submission:

Labcorp Genetics (formerly Invitae), Labcorp
Classification: Uncertain significance. Last evaluated: 2022-02-19. Review status: criteria provided, single submitter. Criteria: Invitae Variant Classification Sherloc (09022015). Collection method: clinical testing. Allele origin: germline.
Comment: In summary, the available evidence is currently insufficient to determine the role of this variant in disease. Therefore, it has been classified as a Variant of Uncertain Significance. Experimental studies and prediction algorithms are not available or were not evaluated, and the functional significance of this variant is currently unknown. This variant has not been reported in the literature in individuals affected with COL13A1-related conditions. This variant is a gross deletion of the genomic region encompassing exon(s) 38 of the COL13A1 gene. This variant would be expected to be in-frame, preserving the integrity of the reading frame.

NC_000010.10:g.(?_71712618)_(71712744_?)del

Gene: COL13A1 (collagen type XIII alpha 1 chain; plus strand). Cytogenetic location: 10q22.1.
Variant type: Deletion.
Identifiers: ClinVar variation 2423783 (VCV002423783.3).